The following is an entry in ClinVar:

ClinVar aggregate classification (germline): Uncertain significance. Review status: criteria provided, multiple submitters, no conflicts (2 of 4 stars). 2 submissions from 2 submitters: Uncertain significance (2). Last evaluated 2023-11-18.

Conditions:
Muscular dystrophy-dystroglycanopathy (congenital with impaired intellectual development), type B, 2. Also called: Muscular dystrophy-dystroglycanopathy (congenital with intellectual disability), type B2; MUSCULAR DYSTROPHY, CONGENITAL, POMT2-RELATED. Identifiers: MedGen C3150416, MONDO:0013160, OMIM 613156.
Autosomal recessive limb-girdle muscular dystrophy type 2N. Also called: Muscular dystrophy-dystroglycanopathy (limb-girdle), type C, 2; MUSCULAR DYSTROPHY-DYSTROGLYCANOPATHY, LIMB-GIRDLE, POMT2-RELATED. Identifiers: Orphanet 206559, MedGen C3150418, MONDO:0013162, OMIM 613158.
Muscular dystrophy-dystroglycanopathy (congenital with brain and eye anomalies), type A2. Also called: MUSCULAR DYSTROPHY-DYSTROGLYCANOPATHY (CONGENITAL WITH BRAIN AND EYE ANOMALIES), TYPE A, 2; WALKER-WARBURG SYNDROME OR MUSCLE-EYE-BRAIN DISEASE, POMT2-RELATED. Identifiers: Orphanet 588, Orphanet 899, MedGen C3150411, MONDO:0013154, OMIM 613150.

Allele frequency attached by ClinVar (database versions not stated): ExAC 0.00005; TOPMed below 0.00001; gnomAD 0.00001; gnomAD exomes 0.00001.
gnomAD v4.1: 10 of 1,492,402 alleles (0.00067%); highest among the groups gnomAD compares: South Asian, 0.0036%; no homozygotes.

Submissions (2):

Labcorp Genetics (formerly Invitae), Labcorp
Classification: Uncertain significance for Muscular dystrophy-dystroglycanopathy (congenital with impaired intellectual development), type B, 2; Muscular dystrophy-dystroglycanopathy (congenital with brain and eye anomalies), type A2; Autosomal recessive limb-girdle muscular dystrophy type 2N. Last evaluated: 2023-11-18. Review status: criteria provided, single submitter. Criteria: Invitae Variant Classification Sherloc (09022015). Collection method: clinical testing. Allele origin: germline.
Comment: This sequence change replaces alanine, which is neutral and non-polar, with valine, which is neutral and non-polar, at codon 704 of the POMT2 protein (p.Ala704Val). The frequency data for this variant in the population databases is considered unreliable, as metrics indicate poor data quality at this position in the gnomAD database. This variant has not been reported in the literature in individuals affected with POMT2-related conditions. ClinVar contains an entry for this variant (Variation ID: 566007). Advanced modeling of protein sequence and biophysical properties (such as structural, functional, and spatial information, amino acid conservation, physicochemical variation, residue mobility, and thermodynamic stability) performed at Invitae indicates that this missense variant is not expected to disrupt POMT2 protein function with a negative predictive value of 95%. In summary, the available evidence is currently insufficient to determine the role of this variant in disease. Therefore, it has been classified as a Variant of Uncertain Significance.

Revvity Omics, Revvity
Classification: Uncertain significance. Last evaluated: 2022-10-29. Review status: criteria provided, single submitter. Criteria: ACMG Guidelines, 2015. Collection method: clinical testing. Allele origin: germline.

NM_013382.7(POMT2):c.2111C>T (p.Ala704Val)

Gene: POMT2 (protein O-mannosyltransferase 2; minus strand). Cytogenetic location: 14q24.3.
Variant type: single nucleotide variant.
Coding change: c.2111C>T on transcript NM_013382.7 (MANE Select); coding-DNA position 2111, C replaced by T.
Protein change: p.Ala704Val; replaces alanine 704 with valine.
Molecular consequence: missense variant.
Genome position (GRCh38, 1-based): chr14:77,278,430, G>A on the plus strand (C>T on the coding strand, the complement: POMT2 is on the minus strand). VCF-style: chr14-77278430-G-A. GRCh37 (hg19) VCF-style: chr14-77744773-G-A.
Other names: short protein forms A704V.
Identifiers: ClinVar variation 566007 (VCV000566007.9), dbSNP rs746221148, ClinGen allele CA7285543.